The following is an entry in ClinVar:

NM_000051.4(ATM):c.4038G>A (p.Glu1346=)

Gene: ATM (ATM serine/threonine kinase; plus strand). Cytogenetic location: 11q22.3.
Variant type: single nucleotide variant.
Coding change: c.4038G>A on transcript NM_000051.4 (MANE Select); coding-DNA position 4038, G replaced by A.
Protein change: p.Glu1346=; no amino-acid change (glutamic acid 1346 retained).
Molecular consequence: synonymous variant.
Genome position (GRCh38, 1-based): chr11:108,287,644, G>A. VCF-style: chr11-108287644-G-A. GRCh37 (hg19) VCF-style: chr11-108158371-G-A.
Other names: c.4038G>A, p.Glu1346= (NM_001351834.2).
Identifiers: ClinVar variation 744350 (VCV000744350.13), dbSNP rs1591655790, ClinGen allele CA476673581.
Genomic context (GRCh38, chr11:108,287,644, plus strand): 5'-TTTTGTGCCCTTGCAGATTGATCACTTATTCATTAGTAATTTACCAGAGATTGTGGTGGA[G>A]TTATTGATGACGTTACATGAGCCAGCAAATTCTAGTGCCAGTCAGAGCACTGACCTCTGT-3'
Protein context (NP_000042.3, residues 1336-1356): FISNLPEIVV[Glu1346=]LLMTLHEPAN

ClinVar aggregate classification (germline): Benign/Likely benign. Review status: criteria provided, multiple submitters, no conflicts (2 of 4 stars). 3 submissions from 3 submitters: Benign (1); Likely benign (2). Last evaluated 2024-05-16.

Conditions:
Ataxia-telangiectasia syndrome (AT). Also called: Ataxia-telangiectasia; AT, COMPLEMENTATION GROUP C; LOUIS-BAR SYNDROME; Ataxia telangiectasia (A-T); Cerebello-oculocutaneous telangiectasia; Immunodeficiency with ataxia telangiectasia. Identifiers: Orphanet 100, MedGen C0004135, MONDO:0008840, OMIM 208900.
Hereditary cancer-predisposing syndrome. Also called: Tumor predisposition; Hereditary Cancer Syndrome; Neoplastic Syndromes, Hereditary; Hereditary neoplastic syndrome. Identifiers: Orphanet 140162, MedGen C0027672, MeSH D009386, MONDO:0015356.
Familial cancer of breast. Also called: BREAST CANCER, FAMILIAL; hereditary breast carcinoma; Hereditary breast cancer. Identifiers: Orphanet 227535, MedGen C0346153, MONDO:0016419, OMIM 114480. Disease mechanism: loss of function.

Submissions (3):

Myriad Genetics, Inc.
Classification: Benign for Familial cancer of breast. Last evaluated: 2024-05-16. Review status: criteria provided, single submitter. Criteria: Myriad Autosomal Dominant, Autosomal Recessive and X-Linked Classification Criteria (2023). Collection method: clinical testing. Allele origin: unknown.
Comment: This variant is considered benign. This variant is a silent/synonymous amino acid change and it is not expected to impact splicing.

Labcorp Genetics (formerly Invitae), Labcorp
Classification: Likely benign for Ataxia-telangiectasia syndrome. Last evaluated: 2024-03-05. Review status: criteria provided, single submitter. Criteria: Invitae Variant Classification Sherloc (09022015). Collection method: clinical testing. Allele origin: germline.

Ambry Genetics
Classification: Likely benign for Hereditary cancer-predisposing syndrome. Last evaluated: 2019-04-18. Review status: criteria provided, single submitter. Criteria: Ambry Variant Classification Scheme 2023. Collection method: clinical testing. Allele origin: germline.